The following is an entry in ClinVar:

NM_000360.4(TH):c.479G>A (p.Gly160Glu)

Gene: TH (tyrosine hydroxylase; minus strand). Cytogenetic location: 11p15.5.
Variant type: single nucleotide variant.
Coding change: c.479G>A on transcript NM_000360.4 (MANE Select); coding-DNA position 479, G replaced by A.
Protein change: p.Gly160Glu; replaces glycine 160 with glutamic acid.
Molecular consequence: missense variant.
Genome position (GRCh38, 1-based): chr11:2,168,499, C>T on the plus strand (G>A on the coding strand, the complement: TH is on the minus strand). VCF-style: chr11-2168499-C-T. GRCh37 (hg19) VCF-style: chr11-2189729-C-T.
Other names: c.572G>A, p.Gly191Glu (NM_199292.3); c.560G>A, p.Gly187Glu (NM_199293.3); short protein forms G160E, G187E, G191E.
Identifiers: ClinVar variation 945981 (VCV000945981.8), dbSNP rs777823354, ClinGen allele CA5818647.
Genomic context (GRCh38, chr11:2,168,499, plus strand): 5'-CCCAGCCTCTCAAGGTCATTTGGTGGCCCTCAAGGACAGAAAACCGCCTCACCCTTGGGC[C>T]CCGCGGGGCTGCGCACGTCCTCTGACACCTGGCGCACACCACTGAGCAGGGCGGCCAGGT-3'
Protein context (NP_000351.2, residues 150-170): QVSEDVRSPA[Gly160Glu]PKVPWFPRKV

ClinVar aggregate classification (germline): Uncertain significance (1 of 4 stars; one submission).

Conditions:
TH-deficient dopa-responsive dystonia. Also called: Tyrosine Hydroxylase-Deficient Dopa-Responsive Dystonia; DYT-TH; Segawa syndrome, autosomal recessive. Identifiers: Orphanet 101150, MedGen C2673535, MONDO:0011551, OMIM 605407.

Allele frequency attached by ClinVar (database versions not stated): ExAC 0.00001; gnomAD exomes below 0.00001.
gnomAD v4.1: 1 of 1,612,310 alleles (0.000062%); highest among the groups gnomAD compares: South Asian, 0.0011%; no homozygotes.

Submission:

Labcorp Genetics (formerly Invitae), Labcorp
Classification: Uncertain significance for TH-deficient dopa-responsive dystonia. Last evaluated: 2026-01-04. Review status: criteria provided, single submitter. Criteria: Invitae Variant Classification Sherloc (09022015). Collection method: clinical testing. Allele origin: germline.
Comment: This sequence change replaces glycine, which is neutral and non-polar, with glutamic acid, which is acidic and polar, at codon 191 of the TH protein (p.Gly191Glu). This variant is present in population databases (rs777823354, gnomAD 0.003%). This variant has not been reported in the literature in individuals affected with TH-related conditions. ClinVar contains an entry for this variant (Variation ID: 945981). An algorithm developed to predict the effect of missense changes on protein structure and function outputs the following: PolyPhen-2: "Benign". The glutamic acid amino acid residue is found in multiple mammalian species, which suggests that this missense change does not adversely affect protein function. In summary, the available evidence is currently insufficient to determine the role of this variant in disease. Therefore, it has been classified as a Variant of Uncertain Significance.